The following is an entry in ClinVar:

NM_002519.3(NPAT):c.470T>G (p.Val157Gly)

Gene: NPAT (nuclear protein, coactivator of histone transcription; minus strand). Cytogenetic location: 11q22.3.
Variant type: single nucleotide variant.
Coding change: c.470T>G on transcript NM_002519.3 (MANE Select); coding-DNA position 470, T replaced by G.
Protein change: p.Val157Gly; replaces valine 157 with glycine.
Molecular consequence: missense variant.
Genome position (GRCh38, 1-based): chr11:108,189,192, A>C on the plus strand (T>G on the coding strand, the complement: NPAT is on the minus strand). VCF-style: chr11-108189192-A-C. GRCh37 (hg19) VCF-style: chr11-108059919-A-C.
Other names: c.470T>G, p.Val157Gly (NM_001321307.1); short protein forms V157G.
Identifiers: ClinVar variation 1742594 (VCV001742594.2), dbSNP rs757325183, ClinGen allele CA382524557.

ClinVar aggregate classification (germline): Uncertain significance (1 of 4 stars; one submission).

Submission:

Ambry Genetics
Classification: Uncertain significance. Last evaluated: 2021-11-16. Review status: criteria provided, single submitter. Criteria: Ambry Variant Classification Scheme 2023. Collection method: clinical testing. Allele origin: germline.
Comment: The p.V157G variant (also known as c.470T>G), located in coding exon 6 of the NPAT gene, results from a T to G substitution at nucleotide position 470. The valine at codon 157 is replaced by glycine, an amino acid with dissimilar properties. This amino acid position is conserved. In addition, this alteration is predicted to be tolerated by in silico analysis. Since supporting evidence is limited at this time, the clinical significance of this alteration remains unclear.